The following is an entry in ClinVar:

NM_052963.3(TOP1MT):c.1645C>T (p.Gln549Ter)

Gene: TOP1MT (DNA topoisomerase I mitochondrial; minus strand). Cytogenetic location: 8q24.3.
Variant type: single nucleotide variant.
Coding change: c.1645C>T on transcript NM_052963.3 (MANE Select); coding-DNA position 1645, C replaced by T.
Protein change: p.Gln549Ter; replaces glutamine 549 with a stop codon.
Molecular consequence: nonsense.
Genome position (GRCh38, 1-based): chr8:143,310,126, G>A on the plus strand (C>T on the coding strand, the complement: TOP1MT is on the minus strand). VCF-style: chr8-143310126-G-A. GRCh37 (hg19) VCF-style: chr8-144392296-G-A.
Other names: c.1351C>T, p.Gln451Ter (NM_001258446.1, NM_001258447.1); short protein forms Q549*, Q451*.
Identifiers: ClinVar variation 4696551 (VCV004696551.1).

ClinVar aggregate classification (germline): Uncertain significance (1 of 4 stars; one submission).

gnomAD v4.1: 13 of 1,613,494 alleles (0.00081%); highest among the groups gnomAD compares: Non-Finnish European, 0.001%; no homozygotes.

Submission:

Labcorp Genetics (formerly Invitae), Labcorp
Classification: Uncertain significance. Last evaluated: 2026-01-22. Review status: criteria provided, single submitter. Criteria: Invitae Variant Classification Sherloc (09022015). Collection method: clinical testing. Allele origin: germline.
Comment: This sequence change creates a premature translational stop signal (p.Gln549*) in the TOP1MT gene. It is expected to result in an absent or disrupted protein product. However, the current clinical and genetic evidence is not sufficient to establish whether loss-of-function variants in TOP1MT cause disease. The frequency data for this variant in the population databases is considered unreliable, as metrics indicate poor data quality at this position in the gnomAD database. This variant has not been reported in the literature in individuals affected with TOP1MT-related conditions. Algorithms developed to predict the effect of sequence changes on RNA splicing suggest that this variant may create or strengthen a splice site. In summary, the available evidence is currently insufficient to determine the role of this variant in disease. Therefore, it has been classified as a Variant of Uncertain Significance.